The following is an entry in ClinVar:

ClinVar aggregate classification (germline): Uncertain significance. Review status: criteria provided, multiple submitters, no conflicts (2 of 4 stars). 2 submissions from 2 submitters: Uncertain significance (2). Last evaluated 2025-07-21.

Conditions:
Hereditary cancer-predisposing syndrome. Also called: Tumor predisposition; Neoplastic Syndromes, Hereditary; Hereditary neoplastic syndrome; Hereditary Cancer Syndrome. Identifiers: Orphanet 140162, MedGen C0027672, MeSH D009386, MONDO:0015356.
Multiple endocrine neoplasia, type 2 (MEN2). Identifiers: Orphanet 653, MedGen C4048306, MONDO:0019003. Disease mechanism: gain of function.

gnomAD v4.1: 1 of 1,611,544 alleles (0.000062%); no homozygotes.

Submissions (2):

Labcorp Genetics (formerly Invitae), Labcorp
Classification: Uncertain significance for Multiple endocrine neoplasia, type 2. Last evaluated: 2025-07-21. Review status: criteria provided, single submitter. Criteria: Invitae Variant Classification Sherloc (09022015). Collection method: clinical testing. Allele origin: germline.
Comment: This sequence change replaces glutamine, which is neutral and polar, with arginine, which is basic and polar, at codon 703 of the RET protein (p.Gln703Arg). This variant is not present in population databases (gnomAD no frequency). This variant has not been reported in the literature in individuals affected with RET-related conditions. ClinVar contains an entry for this variant (Variation ID: 1020551). An algorithm developed to predict the effect of missense changes on protein structure and function (PolyPhen-2) suggests that this variant is likely to be disruptive. In summary, the available evidence is currently insufficient to determine the role of this variant in disease. Therefore, it has been classified as a Variant of Uncertain Significance.

Ambry Genetics
Classification: Uncertain significance for Hereditary cancer-predisposing syndrome. Last evaluated: 2023-12-04. Review status: criteria provided, single submitter. Criteria: Ambry Variant Classification Scheme 2023. Collection method: clinical testing. Allele origin: germline.
Comment: The p.Q703R variant (also known as c.2108A>G), located in coding exon 11 of the RET gene, results from an A to G substitution at nucleotide position 2108. The glutamine at codon 703 is replaced by arginine, an amino acid with highly similar properties. This amino acid position is conserved. In addition, the in silico prediction for this alteration is inconclusive. Since supporting evidence is limited at this time, the clinical significance of this alteration remains unclear.

NM_020975.6(RET):c.2108A>G (p.Gln703Arg)

Gene: RET (ret proto-oncogene; plus strand). Cytogenetic location: 10q11.21.
Variant type: single nucleotide variant.
Coding change: c.2108A>G on transcript NM_020975.6 (MANE Select); coding-DNA position 2108, A replaced by G.
Protein change: p.Gln703Arg; replaces glutamine 703 with arginine.
Molecular consequence: missense variant.
Genome position (GRCh38, 1-based): chr10:43,114,708, A>G. VCF-style: chr10-43114708-A-G. GRCh37 (hg19) VCF-style: chr10-43610156-A-G.
Other names: c.2108A>G, p.Gln703Arg (NM_000323.2, NM_001406743.1, NM_001406744.1 and 4 more transcripts); c.1346A>G, p.Gln449Arg (NM_001355216.2); c.1979A>G, p.Gln660Arg (NM_001406761.1, NM_001406762.1, NM_001406764.1); c.1973A>G, p.Gln658Arg (NM_001406763.1, NM_001406765.1); c.1820A>G, p.Gln607Arg (NM_001406766.1, NM_001406767.1, NM_001406770.1); c.1844A>G, p.Gln615Arg (NM_001406768.1); c.1712A>G, p.Gln571Arg (NM_001406769.1, NM_001406772.1); c.1670A>G, p.Gln557Arg (NM_001406771.1, NM_001406773.1); and 10 more; short protein forms Q449R, Q703R, Q364R, Q571R, Q607R, Q658R, Q268R, Q359R.
Identifiers: ClinVar variation 1020551 (VCV001020551.7), dbSNP rs1838031470, ClinGen allele CA376553331.
Genomic context (GRCh38, chr10:43,114,708, plus strand): 5'-TCCCGGTCAGCTACTCCTCTTCCGGTGCCCGCCGGCCCTCGCTGGACTCCATGGAGAACC[A>G]GGTCTCCGTGGATGCCTTCAAGATCCTGGTGAGGGTCCCTGCGGGGCAGGGAAGATCCCC-3'
Protein context (NP_066124.1, residues 693-713): RRPSLDSMEN[Gln703Arg]VSVDAFKILE